The following is an entry in ClinVar:

ClinVar aggregate classification (germline): Uncertain significance (1 of 4 stars; one submission).

Conditions:
Dilated cardiomyopathy 1G (CMD1G). Identifiers: Orphanet 154, MedGen C1858763, MONDO:0011400, OMIM 604145.
Autosomal recessive limb-girdle muscular dystrophy type 2J (LGMDR10). Also called: Limb-girdle muscular dystrophy, type 2J; MUSCULAR DYSTROPHY, LIMB-GIRDLE, AUTOSOMAL RECESSIVE 10. Identifiers: Orphanet 140922, MedGen C1837342, MONDO:0012127, OMIM 608807.

Submission:

Labcorp Genetics (formerly Invitae), Labcorp
Classification: Uncertain significance for Dilated cardiomyopathy 1G; Autosomal recessive limb-girdle muscular dystrophy type 2J. Last evaluated: 2022-12-01. Review status: criteria provided, single submitter. Criteria: Invitae Variant Classification Sherloc (09022015). Collection method: clinical testing. Allele origin: germline.
Comment: Information on the frequency of this variant in the gnomAD database is not available, as this variant may be reported differently in the database. This sequence change replaces serine, which is neutral and polar, with leucine, which is neutral and non-polar, at codon 34180 of the TTN protein (p.Ser34180Leu). This variant is located in the M band of TTN (PMID: 25589632). Variants in this region may be relevant for neuromuscular disorders, but have not been definitively shown to cause cardiomyopathy (PMID: 23975875). In summary, the available evidence is currently insufficient to determine the role of this variant in disease. Therefore, it has been classified as a Variant of Uncertain Significance. Experimental studies and prediction algorithms are not available or were not evaluated, and the functional significance of this variant is currently unknown. This variant has not been reported in the literature in individuals affected with TTN-related conditions.

Literature cited by the submitters: PubMed 25589632; PubMed 23975875.

NM_001267550.2(TTN):c.102538_102539inv (p.Ser34180Leu)

Genes: TTN (titin; minus strand), TTN-AS1 (TTN antisense RNA 1; plus strand). Cytogenetic location: 2q31.2.
Variant type: Inversion.
Coding change: c.102538_102539inv on transcript NM_001267550.2 (MANE Select).
Protein change: p.Ser34180Leu; replaces serine 34180 with leucine.
Molecular consequence: missense variant.
Genome position: GRCh38 VCF-style: chr2-178534076-CT-AG. GRCh37 (hg19) VCF-style: chr2-179398803-CT-AG.
Other names: c.97615_97616inv, p.Ser32539Leu (NM_001256850.1); c.75343_75344inv, p.Ser25115Leu (NM_003319.4); c.94834_94835inv, p.Ser31612Leu (NM_133378.4); c.75718_75719inv, p.Ser25240Leu (NM_133432.3); c.75919_75920inv, p.Ser25307Leu (NM_133437.4); short protein forms S25115L, S34180L, S25240L, S31612L, S25307L, S32539L.
Identifiers: ClinVar variation 2941952 (VCV002941952.3), ClinGen allele CA2740095897.